The following is an entry in ClinVar:

ClinVar aggregate classification (germline): Uncertain significance. Review status: criteria provided, multiple submitters, no conflicts (2 of 4 stars). 3 submissions from 3 submitters: Uncertain significance (3). Last evaluated 2025-02-23.

Conditions:
Cardiomyopathy, familial hypertrophic 27. Identifiers: MedGen C4748014, MONDO:0054838, OMIM 618052.
Cardiovascular phenotype. Identifiers: MedGen CN230736.

Allele frequency attached by ClinVar (database versions not stated): gnomAD exomes below 0.00001 and 0.00001; TOPMed 0.00002; gnomAD 0.00003; ESP Exome Variant Server 0.00008.
gnomAD v4.1: 7 of 1,614,038 alleles (0.00043%); highest among the groups gnomAD compares: Non-Finnish European, 0.00059%; no homozygotes.

Submissions (3):

Labcorp Genetics (formerly Invitae), Labcorp
Classification: Uncertain significance. Last evaluated: 2025-02-23. Review status: criteria provided, single submitter. Criteria: Invitae Variant Classification Sherloc (09022015). Collection method: clinical testing. Allele origin: germline.
Comment: This sequence change replaces asparagine, which is neutral and polar, with lysine, which is basic and polar, at codon 999 of the ALPK3 protein (p.Asn999Lys). This variant is present in population databases (rs368089654, gnomAD 0.0009%). This variant has not been reported in the literature in individuals affected with ALPK3-related conditions. ClinVar contains an entry for this variant (Variation ID: 1503713). Invitae Evidence Modeling of protein sequence and biophysical properties (such as structural, functional, and spatial information, amino acid conservation, physicochemical variation, residue mobility, and thermodynamic stability) indicates that this missense variant is not expected to disrupt ALPK3 protein function with a negative predictive value of 80%. In summary, the available evidence is currently insufficient to determine the role of this variant in disease. Therefore, it has been classified as a Variant of Uncertain Significance.

Ambry Genetics
Classification: Uncertain significance for Cardiovascular phenotype. Last evaluated: 2024-06-30. Review status: criteria provided, single submitter. Criteria: Ambry Variant Classification Scheme 2023. Collection method: clinical testing. Allele origin: germline.
Comment: The p.N999K variant (also known as c.2997C>A), located in coding exon 6 of the ALPK3 gene, results from a C to A substitution at nucleotide position 2997. The asparagine at codon 999 is replaced by lysine, an amino acid with similar properties. This amino acid position is conserved. In addition, this alteration is predicted to be tolerated by in silico analysis. Based on the available evidence, the clinical significance of this variant remains unclear.

Clinical Genomics Laboratory, Stanford Medicine
Classification: Uncertain significance for Cardiomyopathy, familial hypertrophic 27. Last evaluated: 2021-06-01. Review status: criteria provided, single submitter. Criteria: ACMG Guidelines, 2015. Collection method: clinical testing. Allele origin: germline. Affected: yes. Observed: 1 heterozygote.
Comment: • The p.Asn999Lys variant in the ALPK3 gene has not been previously reported in association with disease. • This variant has been identified in 1/250,930 chromosomes by the Genome Aggregation Database. Although this variant has been seen in the general population, its frequency is low enough to be consistent with a recessive carrier frequency. • The asparagine at position 999 is not evolutionarily conserved and 1 mammalian species (squirrel monkey) has a lysine at this position. Computational tools predict that the p.Asn999Lys variant does not impact protein function; however, the accuracy of in silico algorithms is limited. • These data were assessed using the ACMG/AMP variant interpretation guidelines. In summary, the significance of the p.Asn999Lys variant is uncertain. Additional information is needed to resolve the significance of this variant. [ACMG evidence codes used: PM2; BP4]

NM_020778.5(ALPK3):c.2391C>A (p.Asn797Lys)

Gene: ALPK3 (alpha kinase 3; plus strand). Cytogenetic location: 15q25.3.
Variant type: single nucleotide variant.
Coding change: c.2391C>A on transcript NM_020778.5 (MANE Select); coding-DNA position 2391, C replaced by A.
Protein change: p.Asn797Lys; replaces asparagine 797 with lysine.
Molecular consequence: missense variant.
Genome position (GRCh38, 1-based): chr15:84,857,129, C>A. VCF-style: chr15-84857129-C-A. GRCh37 (hg19) VCF-style: chr15-85400360-C-A.
Other names: p.Asn999Lys; c.2997C>A (NM_020778.4); short protein forms N797K.
Identifiers: ClinVar variation 1503713 (VCV001503713.8), dbSNP rs368089654, ClinGen allele CA273624247.